The following is an entry in ClinVar:

ClinVar aggregate classification (germline): Uncertain significance. Review status: criteria provided, multiple submitters, no conflicts (2 of 4 stars). 2 submissions from 2 submitters: Uncertain significance (2). Last evaluated 2025-07-01.

Conditions:
Hereditary cancer-predisposing syndrome. Also called: Hereditary Cancer Syndrome; Tumor predisposition; Neoplastic Syndromes, Hereditary; Hereditary neoplastic syndrome. Identifiers: Orphanet 140162, MedGen C0027672, MeSH D009386, MONDO:0015356.
Gastrointestinal stromal tumor. Also called: Gastrointestinal stromal tumor, somatic; Gastrointestinal stroma tumor. Identifiers: Orphanet 44890, MedGen C0238198, MeSH D046152, MONDO:0011719, OMIM 606764, HP:0100723.

Allele frequency attached by ClinVar (database versions not stated): gnomAD exomes below 0.00001.
gnomAD v4.1: 2 of 1,614,100 alleles (0.00012%); highest among the groups gnomAD compares: South Asian, 0.0022%; no homozygotes.

Submissions (2):

Ambry Genetics
Classification: Uncertain significance for Hereditary cancer-predisposing syndrome. Last evaluated: 2025-07-01. Review status: criteria provided, single submitter. Criteria: Ambry Variant Classification Scheme 2023. Collection method: clinical testing. Allele origin: germline.
Comment: The p.Q427L variant (also known as c.1280A>T), located in coding exon 8 of the KIT gene, results from an A to T substitution at nucleotide position 1280. The glutamine at codon 427 is replaced by leucine, an amino acid with dissimilar properties. This amino acid position is conserved. In addition, this alteration is predicted to be tolerated by in silico analysis. Based on the available evidence, the clinical significance of this variant remains unclear.

Labcorp Genetics (formerly Invitae), Labcorp
Classification: Uncertain significance for Gastrointestinal stromal tumor. Last evaluated: 2022-01-07. Review status: criteria provided, single submitter. Criteria: Invitae Variant Classification Sherloc (09022015). Collection method: clinical testing. Allele origin: germline.
Comment: In summary, the available evidence is currently insufficient to determine the role of this variant in disease. Therefore, it has been classified as a Variant of Uncertain Significance. Algorithms developed to predict the effect of missense changes on protein structure and function (SIFT, PolyPhen-2, Align-GVGD) all suggest that this variant is likely to be disruptive. ClinVar contains an entry for this variant (Variation ID: 581718). This variant has not been reported in the literature in individuals affected with KIT-related conditions. This variant is not present in population databases (gnomAD no frequency). This sequence change replaces glutamine, which is neutral and polar, with leucine, which is neutral and non-polar, at codon 427 of the KIT protein (p.Gln427Leu).

NM_000222.3(KIT):c.1280A>T (p.Gln427Leu)

Gene: KIT (KIT proto-oncogene, receptor tyrosine kinase; plus strand). Cytogenetic location: 4q12.
Variant type: single nucleotide variant.
Coding change: c.1280A>T on transcript NM_000222.3 (MANE Select); coding-DNA position 1280, A replaced by T.
Protein change: p.Gln427Leu; replaces glutamine 427 with leucine.
Molecular consequence: missense variant.
Genome position (GRCh38, 1-based): chr4:54,723,632, A>T. VCF-style: chr4-54723632-A-T. GRCh37 (hg19) VCF-style: chr4-55589798-A-T.
Other names: c.1280A>T, p.Gln427Leu (NM_001093772.2, NM_001385285.1, NM_001385286.1); c.1283A>T, p.Gln428Leu (NM_001385284.1, NM_001385288.1, NM_001385290.1 and 1 more transcripts); short protein forms Q427L, Q428L.
Identifiers: ClinVar variation 581718 (VCV000581718.9), dbSNP rs1560414436, ClinGen allele CA356905536.